The following is an entry in ClinVar:

ClinVar aggregate classification (germline): Pathogenic/Likely pathogenic. Review status: criteria provided, single submitter (1 of 4 stars). 2 submissions from 1 submitter: Pathogenic (1); Likely pathogenic (1). Last evaluated 2022-11-29.

Conditions:
Intellectual developmental disorder, autosomal dominant 57. Also called: MENTAL RETARDATION, AUTOSOMAL DOMINANT 57; Intellectual disability, autosomal dominant 57. Identifiers: MedGen C4748003, MONDO:0054837, OMIM 618050.

Submissions (2):

Laboratory of Medical Genetics, University of Torino
Classification: Likely pathogenic for Intellectual developmental disorder, autosomal dominant 57. Last evaluated: 2022-11-29. Review status: criteria provided, single submitter. Criteria: ACMG Guidelines, 2015. Collection method: research. Allele origin: germline. Affected: yes. Study: NeuroWES.

Laboratory of Medical Genetics, University of Torino
Classification: Pathogenic for Intellectual developmental disorder, autosomal dominant 57. Last evaluated: 2020-09-24. Review status: criteria provided, single submitter. Criteria: ACMG Guidelines, 2015. Collection method: research. Allele origin: de novo. Inheritance: Autosomal dominant inheritance. Affected: yes. Observed: 1 heterozygote.
Comment: The variant was de novo. The variant shows an altered cellular localization, altered kinase activity, impaired protein interactome and chromatin relaxation.

NM_006852.6(TLK2):c.1586A>G (p.Asp529Gly)

Gene: TLK2 (tousled like kinase 2; plus strand). Cytogenetic location: 17q23.2.
Variant type: single nucleotide variant.
Coding change: c.1586A>G on transcript NM_006852.6 (MANE Select); coding-DNA position 1586, A replaced by G.
Protein change: p.Asp529Gly; replaces aspartic acid 529 with glycine.
Molecular consequence: missense variant.
Genome position (GRCh38, 1-based): chr17:62,600,686, A>G. VCF-style: chr17-62600686-A-G. GRCh37 (hg19) VCF-style: chr17-60678047-A-G.
Other names: c.1652A>G, p.Asp551Gly (NM_001284333.3); c.1490A>G, p.Asp497Gly (NM_001284363.1, NM_001375272.1); c.1139A>G, p.Asp380Gly (NM_001330418.3, NM_001375273.1); c.1628A>G, p.Asp543Gly (NM_001375269.1); c.1586A>G, p.Asp529Gly (NM_001375270.1, NM_001375271.1); short protein forms D380G, D497G, D529G, D543G, D551G.
Identifiers: ClinVar variation 978815 (VCV000978815.4), dbSNP rs2082811958, ClinGen allele CA400510803.
Genomic context (GRCh38, chr17:62,600,686, plus strand): 5'-TAAATATTGGTTTATTTGTCTTTAGGTTTTGTACAGTATTAGAATACTGTGAGGGAAATG[A>G]TCTGGACTTCTACCTGAAACAGCACAAATTAATGTCGGAGAAAGAGGCCCGGTCCATTAT-3'
Protein context (NP_006843.2, residues 519-539): CTVLEYCEGN[Asp529Gly]LDFYLKQHKL